The following is an entry in ClinVar:

NM_001378974.1(FBXW11):c.1496C>T (p.Ala499Val)

Gene: FBXW11 (F-box and WD repeat domain containing 11; minus strand). Cytogenetic location: 5q35.1.
Variant type: single nucleotide variant.
Coding change: c.1496C>T on transcript NM_001378974.1 (MANE Select); coding-DNA position 1496, C replaced by T.
Protein change: p.Ala499Val; replaces alanine 499 with valine.
Molecular consequence: missense variant.
Genome position (GRCh38, 1-based): chr5:171,869,763, G>A on the plus strand (C>T on the coding strand, the complement: FBXW11 is on the minus strand). VCF-style: chr5-171869763-G-A. GRCh37 (hg19) VCF-style: chr5-171296767-G-A.
Other names: c.1427C>T, p.Ala476Val (NM_001378975.1); c.1400C>T, p.Ala467Val (NM_001378976.1); c.1337C>T, p.Ala446Val (NM_001378977.1, NM_001378978.1, NM_001378979.1); c.1331C>T, p.Ala444Val (NM_001378980.1, NM_033645.3); c.1433C>T, p.Ala478Val (NM_012300.3); c.1394C>T, p.Ala465Val (NM_033644.3); short protein forms A444V, A446V, A465V, A467V, A476V, A478V, A499V.
Identifiers: ClinVar variation 3368629 (VCV003368629.2).

ClinVar aggregate classification (germline): Uncertain significance (1 of 4 stars; one submission).

Submission:

GeneDx
Classification: Uncertain significance. Last evaluated: 2026-09-03. Review status: criteria provided, single submitter. Criteria: GeneDx Variant Classification Process June 2021. Collection method: clinical testing. Allele origin: germline.
Comment: Not observed at significant frequency in large population cohorts (gnomAD); In silico analysis suggests that this missense variant does not alter protein structure/function; Has not been previously published as pathogenic or benign to our knowledge